The following is an entry in ClinVar:

ClinVar aggregate classification (germline): Uncertain significance. Review status: criteria provided, multiple submitters, no conflicts (2 of 4 stars). 2 submissions from 2 submitters: Uncertain significance (2). Last evaluated 2025-06-09.

Conditions:
Cardiovascular phenotype. Identifiers: MedGen CN230736.
Hypertrophic cardiomyopathy. Also called: HYPERTROPHIC MYOCARDIOPATHY. Identifiers: Orphanet 217569, MedGen C0007194, MeSH D002312, MONDO:0005045, HP:0001639.

Allele frequency attached by ClinVar (database versions not stated): gnomAD exomes below 0.00001; TOPMed below 0.00001.

Submissions (2):

Labcorp Genetics (formerly Invitae), Labcorp
Classification: Uncertain significance for Hypertrophic cardiomyopathy. Last evaluated: 2025-06-09. Review status: criteria provided, single submitter. Criteria: Invitae Variant Classification Sherloc (09022015). Collection method: clinical testing. Allele origin: germline.
Comment: This sequence change replaces serine, which is neutral and polar, with phenylalanine, which is neutral and non-polar, at codon 238 of the JPH2 protein (p.Ser238Phe). This variant is not present in population databases (gnomAD no frequency). This variant has not been reported in the literature in individuals affected with JPH2-related conditions. ClinVar contains an entry for this variant (Variation ID: 1757344). An algorithm developed to predict the effect of missense changes on protein structure and function (PolyPhen-2) suggests that this variant is likely to be disruptive. In summary, the available evidence is currently insufficient to determine the role of this variant in disease. Therefore, it has been classified as a Variant of Uncertain Significance.

Ambry Genetics
Classification: Uncertain significance for Cardiovascular phenotype. Last evaluated: 2019-10-16. Review status: criteria provided, single submitter. Criteria: Ambry Variant Classification Scheme 2023. Collection method: clinical testing. Allele origin: germline.
Comment: The p.S238F variant (also known as c.713C>T), located in coding exon 2 of the JPH2 gene, results from a C to T substitution at nucleotide position 713. The serine at codon 238 is replaced by phenylalanine, an amino acid with highly dissimilar properties. This amino acid position is highly conserved in available vertebrate species. In addition, the in silico prediction for this alteration is inconclusive. Since supporting evidence is limited at this time, the clinical significance of this alteration remains unclear.

NM_020433.5(JPH2):c.713C>T (p.Ser238Phe)

Gene: JPH2 (junctophilin 2; minus strand). Cytogenetic location: 20q13.12.
Variant type: single nucleotide variant.
Coding change: c.713C>T on transcript NM_020433.5 (MANE Select); coding-DNA position 713, C replaced by T.
Protein change: p.Ser238Phe; replaces serine 238 with phenylalanine.
Molecular consequence: missense variant.
Genome position (GRCh38, 1-based): chr20:44,160,074, G>A on the plus strand (C>T on the coding strand, the complement: JPH2 is on the minus strand). VCF-style: chr20-44160074-G-A. GRCh37 (hg19) VCF-style: chr20-42788714-G-A.
Other names: short protein forms S238F.
Identifiers: ClinVar variation 1757344 (VCV001757344.3), dbSNP rs2072597802, ClinGen allele CA409093833.